The following is an entry in ClinVar:

ClinVar aggregate classification (germline): Uncertain significance. Review status: criteria provided, multiple submitters, no conflicts (2 of 4 stars). 4 submissions from 4 submitters: Uncertain significance (3). 1 of the submissions does not count toward it. Last evaluated 2025-02-01.

Conditions:
Inborn genetic diseases. Identifiers: MedGen C0950123, MeSH D030342.
Retinitis pigmentosa 25 (RP25). Identifiers: Orphanet 791, MedGen C1864446, MONDO:0011272, OMIM 602772.

Allele frequency attached by ClinVar (database versions not stated): gnomAD exomes below 0.00001; gnomAD 0.00001; TOPMed 0.00001; 1000 Genomes Project 30x 0.00016; 1000 Genomes Project 0.00020.
gnomAD v4.1: 4 of 1,610,744 alleles (0.00025%); highest among the groups gnomAD compares: Admixed American, 0.005%; no homozygotes.

Submissions (4):

Ambry Genetics
Classification: Uncertain significance for Inborn genetic diseases. Last evaluated: 2025-02-01. Review status: criteria provided, single submitter. Criteria: Ambry Variant Classification Scheme 2023. Collection method: clinical testing. Allele origin: germline.

Labcorp Genetics (formerly Invitae), Labcorp
Classification: Uncertain significance. Last evaluated: 2022-08-09. Review status: criteria provided, single submitter. Criteria: Invitae Variant Classification Sherloc (09022015). Collection method: clinical testing. Allele origin: germline.
Comment: This sequence change replaces serine, which is neutral and polar, with leucine, which is neutral and non-polar, at codon 523 of the EYS protein (p.Ser523Leu). This variant is not present in population databases (gnomAD no frequency). This variant has not been reported in the literature in individuals affected with EYS-related conditions. ClinVar contains an entry for this variant (Variation ID: 1039142). Algorithms developed to predict the effect of missense changes on protein structure and function (SIFT, PolyPhen-2, Align-GVGD) all suggest that this variant is likely to be tolerated. In summary, the available evidence is currently insufficient to determine the role of this variant in disease. Therefore, it has been classified as a Variant of Uncertain Significance.

Blueprint Genetics
Classification: Uncertain significance. Last evaluated: 2018-08-23. Review status: criteria provided, single submitter. Criteria: ACMG Guidelines, 2015. Collection method: clinical testing. Allele origin: germline.

Natera, Inc.
Classification: Uncertain significance for Retinitis pigmentosa type 25. Last evaluated: 2021-03-05. Review status: no assertion criteria provided. Collection method: clinical testing. Allele origin: germline. Not counted in ClinVar's aggregate classification.

NM_001142800.2(EYS):c.1568C>T (p.Ser523Leu)

Gene: EYS (EGF-like photoreceptor maintenance factor; minus strand). Cytogenetic location: 6q12.
Variant type: single nucleotide variant.
Coding change: c.1568C>T on transcript NM_001142800.2 (MANE Select); coding-DNA position 1568, C replaced by T.
Protein change: p.Ser523Leu; replaces serine 523 with leucine.
Molecular consequence: missense variant.
Genome position (GRCh38, 1-based): chr6:65,344,069, G>A on the plus strand (C>T on the coding strand, the complement: EYS is on the minus strand). VCF-style: chr6-65344069-G-A. GRCh37 (hg19) VCF-style: chr6-66053962-G-A.
Other names: c.1568C>T (NM_001142800.1); c.1568C>T, p.Ser523Leu (NM_001142801.2, NM_001292009.2, NM_198283.2); short protein forms S523L.
Identifiers: ClinVar variation 1039142 (VCV001039142.5), dbSNP rs556989074, ClinGen allele CA139837296.